The following is an entry in ClinVar:

NM_002457.5(MUC2):c.4212C>T (p.Thr1404=)

Gene: MUC2 (mucin 2, oligomeric mucus/gel-forming; plus strand). Cytogenetic location: 11p15.5.
Variant type: single nucleotide variant.
Coding change: c.4212C>T on transcript NM_002457.5 (MANE Select); coding-DNA position 4212, C replaced by T.
Protein change: p.Thr1404=; no amino-acid change (threonine 1404 retained).
Molecular consequence: synonymous variant.
Genome position (GRCh38, 1-based): chr11:1,094,455, C>T. VCF-style: chr11-1094455-C-T. GRCh37 (hg19) VCF-style: chr11-1092393-C-T.
Identifiers: ClinVar variation 3234341 (VCV003234341.20), dbSNP rs1413793675, ClinGen allele CA472378081.

ClinVar aggregate classification (germline): Likely benign (1 of 4 stars; one submission).

Allele frequency attached by ClinVar (database versions not stated): 1000 Genomes Project 30x 0.00187.

Submission:

CeGaT Center for Human Genetics Tuebingen
Classification: Likely benign. Last evaluated: 2024-04-01. Review status: criteria provided, single submitter. Criteria: CeGaT Center For Human Genetics Tuebingen Variant Classification Criteria Version 2. Collection method: clinical testing. Allele origin: germline. Affected: yes. Observed: 2 variant alleles.
Comment: MUC2: BP4, BP7